The following is an entry in ClinVar:

ClinVar aggregate classification (germline): Pathogenic (1 of 4 stars; one submission).

Submission:

Labcorp Genetics (formerly Invitae), Labcorp
Classification: Pathogenic. Last evaluated: 2022-05-22. Review status: criteria provided, single submitter. Criteria: Invitae Variant Classification Sherloc (09022015). Collection method: clinical testing. Allele origin: germline.
Comment: A gross deletion of the genomic region encompassing the full coding sequence of the TBCD gene has been identified. Loss-of-function variants in TBCD are known to be pathogenic (PMID: 27666370, 27666374). The boundaries of this event are unknown as they extend beyond the assayed region for this gene and therefore may encompass additional genes. This variant has not been reported in the literature in individuals affected with TBCD-related conditions. For these reasons, this variant has been classified as Pathogenic.

Literature cited by the submitters: PubMed 27666370; PubMed 27666374.

NC_000017.10:g.(?_80710070)_(80901020_?)del

Genes: TBCD (tubulin folding cofactor D), ZNF750 (zinc finger protein 750; minus strand). Cytogenetic location: 17q25.3.
Variant type: Deletion.
Identifiers: ClinVar variation 2425451 (VCV002425451.3).